The following is an entry in ClinVar:

NM_001369.3(DNAH5):c.4729A>G (p.Ser1577Gly)

Genes: DNAH5 (dynein axonemal heavy chain 5; minus strand), DNAH5-AS1 (DNAH5 antisense RNA 1; plus strand). Cytogenetic location: 5p15.2.
Variant type: single nucleotide variant.
Coding change: c.4729A>G on transcript NM_001369.3 (MANE Select); coding-DNA position 4729, A replaced by G.
Protein change: p.Ser1577Gly; replaces serine 1577 with glycine.
Molecular consequence: missense variant.
Genome position (GRCh38, 1-based): chr5:13,862,615, T>C on the plus strand (A>G on the coding strand, the complement: DNAH5 is on the minus strand). VCF-style: chr5-13862615-T-C. GRCh37 (hg19) VCF-style: chr5-13862724-T-C.
Other names: short protein forms S1577G.
Identifiers: ClinVar variation 4798481 (VCV004798481.1).

ClinVar aggregate classification (germline): Uncertain significance (1 of 4 stars; one submission).

Conditions:
Primary ciliary dyskinesia. Also called: Ciliary dyskinesia. Identifiers: Orphanet 244, MedGen C0008780, MONDO:0016575, HP:0012265.

gnomAD v4.1: 2 of 1,614,064 alleles (0.00012%); highest among the groups gnomAD compares: South Asian, 0.0011%; no homozygotes.

Submission:

Labcorp Genetics (formerly Invitae), Labcorp
Classification: Uncertain significance for Primary ciliary dyskinesia. Last evaluated: 2025-11-28. Review status: criteria provided, single submitter. Criteria: Invitae Variant Classification Sherloc (09022015). Collection method: clinical testing. Allele origin: germline.
Comment: This sequence change replaces serine, which is neutral and polar, with glycine, which is neutral and non-polar, at codon 1577 of the DNAH5 protein (p.Ser1577Gly). This variant is present in population databases (no rsID available, gnomAD 0.0009%). This variant has not been reported in the literature in individuals affected with DNAH5-related conditions. Invitae Evidence Modeling of protein sequence and biophysical properties (such as structural, functional, and spatial information, amino acid conservation, physicochemical variation, residue mobility, and thermodynamic stability) indicates that this missense variant is not expected to disrupt DNAH5 protein function with a negative predictive value of 95%. In summary, the available evidence is currently insufficient to determine the role of this variant in disease. Therefore, it has been classified as a Variant of Uncertain Significance.